The following is an entry in ClinVar:

NM_015627.3(LDLRAP1):c.653C>T (p.Thr218Ile)

Gene: LDLRAP1 (low density lipoprotein receptor adaptor protein 1; plus strand). Cytogenetic location: 1p36.11.
Variant type: single nucleotide variant.
Coding change: c.653C>T on transcript NM_015627.3 (MANE Select); coding-DNA position 653, C replaced by T.
Protein change: p.Thr218Ile; replaces threonine 218 with isoleucine.
Molecular consequence: missense variant.
Genome position (GRCh38, 1-based): chr1:25,563,697, C>T. VCF-style: chr1-25563697-C-T. GRCh37 (hg19) VCF-style: chr1-25890188-C-T.
Other names: short protein forms T218I.
Identifiers: ClinVar variation 520395 (VCV000520395.27), dbSNP rs114583297, ClinGen allele CA695685.

ClinVar aggregate classification (germline): Conflicting classifications of pathogenicity. Review status: criteria provided, conflicting classifications (1 of 4 stars). 12 submissions from 12 submitters: Uncertain significance (1); Benign (5); Likely benign (3). 3 of the submissions do not count toward it. Last evaluated 2026-07-10.

Conditions:
Familial hypercholesterolemia. Also called: Familial hypercholesterolaemia; Familial hypercholesterolemias. Identifiers: MedGen C0020445, MONDO:0005439.
Hypercholesterolemia, familial, 4 (FHCL4). Also called: HYPERCHOLESTEROLEMIA, AUTOSOMAL RECESSIVE, 1; HYPERCHOLESTEROLEMIA, AUTOSOMAL RECESSIVE, 2. Identifiers: Orphanet 391665, MedGen C1863512, MONDO:0011374, OMIM 603813.

Allele frequency attached by ClinVar (database versions not stated): gnomAD exomes 0.00217; ExAC 0.00271; 1000 Genomes Project 30x 0.00656; 1000 Genomes Project 0.00659; ESP Exome Variant Server 0.00761; gnomAD 0.00765 and 0.00817; TOPMed 0.00914.
gnomAD v4.1: 2,410 of 1,613,904 alleles (0.15%); highest among the groups gnomAD compares: African/African-American, 2.7%; 30 homozygotes.

Submissions (12):

Cambridge Genomics Laboratory, East Genomic Laboratory Hub, NHS Genomic Medicine Service
Classification: Likely benign for Familial hypercholesterolaemia. Last evaluated: 2026-07-10. Review status: criteria provided, single submitter. Criteria: ACGS Best Practice Guidelines for Variant Classification in Rare Disease 2020. Collection method: clinical testing. Allele origin: germline. Affected: yes.
Comment: BS1_Strong,BP4

CeGaT Center for Human Genetics Tuebingen
Classification: Benign. Last evaluated: 2026-02-01. Review status: criteria provided, single submitter. Criteria: CeGaT Center For Human Genetics Tuebingen Variant Classification Criteria Version 2. Collection method: clinical testing. Allele origin: germline. Affected: yes. Observed: 2 variant alleles.
Comment: LDLRAP1: BP4, BS1, BS2

Molecular Diagnostic Laboratory for Inherited Cardiovascular Disease, Montreal Heart Institute
Classification: Likely benign. Last evaluated: 2025-04-09. Review status: criteria provided, single submitter. Criteria: ACMG Guidelines, 2015. Collection method: clinical testing. Allele origin: germline. Affected: no.

ARUP Laboratories, Molecular Genetics and Genomics, ARUP Laboratories
Classification: Benign for Hypercholesterolemia, familial, 4. Last evaluated: 2024-12-19. Review status: criteria provided, single submitter. Criteria: ARUP Molecular Germline Variant Investigation Process 2024. Collection method: clinical testing. Allele origin: germline.

Blueprint Genetics
Classification: Likely benign. Last evaluated: 2024-11-14. Review status: criteria provided, single submitter. Criteria: ACMG Guidelines, 2015. Collection method: clinical testing. Allele origin: germline.

Genetic Services Laboratory, University of Chicago
Classification: Benign. Last evaluated: 2021-10-08. Review status: criteria provided, single submitter. Criteria: ACMG Guidelines, 2015. Collection method: clinical testing. Allele origin: germline. Affected: no.

H3Africa Consortium
Classification: Benign. Last evaluated: 2020-10-28. Review status: criteria provided, single submitter. Criteria: Choudhury A et al. (Nature 2020). Collection method: research. Allele origin: germline. Inheritance: Autosomal recessive inheritance. Study: H3Africa.
Comment: While the frequency of the alternate allele in gnoMAD v2.0.2 is 0.08, its frequency in African populations is >5%. This suggests that previous classifications of this variant as pathogenic are in error.

Labcorp Genetics (formerly Invitae), Labcorp
Classification: Benign for Familial hypercholesterolemia 4. Last evaluated: 2019-12-31. Review status: criteria provided, single submitter. Criteria: Invitae Variant Classification Sherloc (09022015). Collection method: clinical testing. Allele origin: germline.

Illumina Laboratory Services, Illumina
Classification: Uncertain significance for Hypercholesterolemia, familial, 4. Last evaluated: 2017-04-27. Review status: criteria provided, single submitter. Criteria: ICSL Variant Classification Criteria 13 December 2019. Collection method: clinical testing. Allele origin: germline.

Natera, Inc.
Classification: Likely benign for Familial hypercholesterolemia. Last evaluated: 2020-01-16. Review status: no assertion criteria provided. Collection method: clinical testing. Allele origin: germline. Not counted in ClinVar's aggregate classification.

Reproductive Health Research and Development, BGI Genomics
Classification: Benign for Hypercholesterolemia, autosomal recessive. Last evaluated: 2020-01-06. Review status: no assertion criteria provided. Collection method: curation. Allele origin: germline. Not counted in ClinVar's aggregate classification.
Comment: NM_015627.2:c.653C>T in the LDLRAP1 gene has an allele frequency of 0.028 in African subpopulation in the gnomAD database, including 13 homozygous occurrences. It was detected in one individual with autosomal recessive hypercholesterolemia, compound heterozygous with c.863C>T (p.Ser288Leu) (PMID: 29245109). Benign computational verdict because benign predictions from DANN, DEOGEN2, EIGEN, FATHMM-MKL, MutationTaster, PrimateAI, REVEL and SIFT. Taken together, we interprete this variant as Benign/Likely benign variant. ACMG/AMP criteria applied: BS1, BS2, BP4, PM3.

OMIM
Classification: Pathogenic for HYPERCHOLESTEROLEMIA, FAMILIAL, 4, AUTOSOMAL RECESSIVE. Last evaluated: 2019-06-19. Review status: no assertion criteria provided. Collection method: literature only. Allele origin: germline. Not counted in ClinVar's aggregate classification.

Literature cited by the submitters: PubMed 29245109 (cited by OMIM).